The following is an entry in ClinVar:

ClinVar aggregate classification (germline): Uncertain significance (1 of 4 stars; one submission).

Conditions:
Autosomal recessive limb-girdle muscular dystrophy type 2J (LGMDR10). Also called: Limb-girdle muscular dystrophy, type 2J; MUSCULAR DYSTROPHY, LIMB-GIRDLE, AUTOSOMAL RECESSIVE 10. Identifiers: Orphanet 140922, MedGen C1837342, MONDO:0012127, OMIM 608807.
Dilated cardiomyopathy 1G (CMD1G). Identifiers: Orphanet 154, MedGen C1858763, MONDO:0011400, OMIM 604145.

Submission:

Labcorp Genetics (formerly Invitae), Labcorp
Classification: Uncertain significance for Dilated cardiomyopathy 1G; Autosomal recessive limb-girdle muscular dystrophy type 2J. Last evaluated: 2025-11-25. Review status: criteria provided, single submitter. Criteria: Invitae Variant Classification Sherloc (09022015). Collection method: clinical testing. Allele origin: germline.
Comment: This sequence change replaces valine, which is neutral and non-polar, with glycine, which is neutral and non-polar, at codon 34153 of the TTN protein (p.Val34153Gly). This variant is not present in population databases (gnomAD no frequency). This variant has not been reported in the literature in individuals affected with TTN-related conditions. Experimental studies and prediction algorithms are not available or were not evaluated, and the functional significance of this variant is currently unknown. In summary, the available evidence is currently insufficient to determine the role of this variant in disease. Therefore, it has been classified as a Variant of Uncertain Significance.

NM_001267550.2(TTN):c.102458T>G (p.Val34153Gly)

Genes: TTN (titin; minus strand), TTN-AS1 (TTN antisense RNA 1; plus strand). Cytogenetic location: 2q31.2.
Variant type: single nucleotide variant.
Coding change: c.102458T>G on transcript NM_001267550.2 (MANE Select); coding-DNA position 102458, T replaced by G.
Protein change: p.Val34153Gly; replaces valine 34153 with glycine.
Molecular consequence: missense variant.
Genome position (GRCh38, 1-based): chr2:178,534,157, A>C on the plus strand (T>G on the coding strand, the complement: TTN is on the minus strand). VCF-style: chr2-178534157-A-C. GRCh37 (hg19) VCF-style: chr2-179398884-A-C.
Other names: c.97535T>G, p.Val32512Gly (NM_001256850.1); c.75263T>G, p.Val25088Gly (NM_003319.4); c.94754T>G, p.Val31585Gly (NM_133378.4); c.75638T>G, p.Val25213Gly (NM_133432.3); c.75839T>G, p.Val25280Gly (NM_133437.4); short protein forms V25213G, V32512G, V31585G, V25088G, V25280G, V34153G.
Identifiers: ClinVar variation 4788154 (VCV004788154.1).